The following is an entry in ClinVar:

NM_001270974.2(HYDIN):c.15209G>A (p.Arg5070Gln)

Gene: HYDIN (HYDIN axonemal central pair apparatus protein; minus strand). Cytogenetic location: 16q22.2.
Variant type: single nucleotide variant.
Coding change: c.15209G>A on transcript NM_001270974.2 (MANE Select); coding-DNA position 15209, G replaced by A.
Protein change: p.Arg5070Gln; replaces arginine 5070 with glutamine.
Molecular consequence: missense variant.
Genome position (GRCh38, 1-based): chr16:70,807,737, C>T on the plus strand (G>A on the coding strand, the complement: HYDIN is on the minus strand). VCF-style: chr16-70807737-C-T. GRCh37 (hg19) VCF-style: chr16-70841640-C-T.
Other names: short protein forms R5070Q.
Identifiers: ClinVar variation 3025468 (VCV003025468.23), dbSNP rs375257193, ClinGen allele CA8148274.

ClinVar aggregate classification (germline): Uncertain significance. Review status: criteria provided, multiple submitters, no conflicts (2 of 4 stars). 2 submissions from 2 submitters: Uncertain significance (2). Last evaluated 2024-09-11.

Allele frequency attached by ClinVar (database versions not stated): gnomAD exomes 0.00007; ESP Exome Variant Server 0.00008; gnomAD 0.00009; TOPMed 0.00011; ExAC 0.00012.

Submissions (2):

Blueprint Genetics
Classification: Uncertain significance. Last evaluated: 2024-09-11. Review status: criteria provided, single submitter. Criteria: ACMG Guidelines, 2015. Collection method: clinical testing. Allele origin: germline.

CeGaT Center for Human Genetics Tuebingen
Classification: Uncertain significance. Last evaluated: 2023-12-01. Review status: criteria provided, single submitter. Criteria: CeGaT Center For Human Genetics Tuebingen Variant Classification Criteria Version 2. Collection method: clinical testing. Allele origin: germline. Affected: yes. Observed: 1 variant allele.
Comment: HYDIN: PM2, BP4